The following is an entry in ClinVar:

NM_006206.6(PDGFRA):c.2773G>A (p.Val925Ile)

Gene: PDGFRA (platelet derived growth factor receptor alpha; plus strand). Cytogenetic location: 4q12.
Variant type: single nucleotide variant.
Coding change: c.2773G>A on transcript NM_006206.6 (MANE Select); coding-DNA position 2773, G replaced by A.
Protein change: p.Val925Ile; replaces valine 925 with isoleucine.
Molecular consequence: missense variant.
Genome position (GRCh38, 1-based): chr4:54,288,897, G>A. VCF-style: chr4-54288897-G-A. GRCh37 (hg19) VCF-style: chr4-55155064-G-A.
Other names: c.2848G>A, p.Val950Ile (NM_001347828.2); c.2773G>A, p.Val925Ile (NM_001347829.2); c.2812G>A, p.Val938Ile (NM_001347830.2); short protein forms V925I, V938I, V950I.
Identifiers: ClinVar variation 850324 (VCV000850324.9), dbSNP rs1724488557, ClinGen allele CA356895624.
Genomic context (GRCh38, chr4:54,288,897, plus strand): 5'-TTCTACAATAAGATCAAGAGTGGGTACCGGATGGCCAAGCCTGACCACGCTACCAGTGAA[G>A]TGTGAGCTCCTTCCCCATCCCGGGGGCCTGTGTTCACAGTCTGTGGGTCTAGGGGGAGGG-3'
Protein context (NP_006197.1, residues 915-935): MAKPDHATSE[Val925Ile]YEIMVKCWNS

ClinVar aggregate classification (germline): Uncertain significance. Review status: criteria provided, multiple submitters, no conflicts (2 of 4 stars). 2 submissions from 2 submitters: Uncertain significance (2). Last evaluated 2024-06-03.

Conditions:
Hereditary cancer-predisposing syndrome. Also called: Neoplastic Syndromes, Hereditary; Tumor predisposition; Hereditary Cancer Syndrome; Hereditary neoplastic syndrome. Identifiers: Orphanet 140162, MedGen C0027672, MeSH D009386, MONDO:0015356.
Gastrointestinal stromal tumor. Also called: Gastrointestinal stromal tumor, somatic; Gastrointestinal stroma tumor. Identifiers: Orphanet 44890, MedGen C0238198, MeSH D046152, MONDO:0011719, OMIM 606764, HP:0100723.

Allele frequency attached by ClinVar (database versions not stated): gnomAD exomes below 0.00001.
gnomAD v4.1: 1 of 1,602,150 alleles (0.000062%); highest among the groups gnomAD compares: Non-Finnish European, 0.000086%; no homozygotes.

Submissions (2):

Labcorp Genetics (formerly Invitae), Labcorp
Classification: Uncertain significance for Gastrointestinal stromal tumor. Last evaluated: 2024-06-03. Review status: criteria provided, single submitter. Criteria: Invitae Variant Classification Sherloc (09022015). Collection method: clinical testing. Allele origin: germline.
Comment: This sequence change replaces valine, which is neutral and non-polar, with isoleucine, which is neutral and non-polar, at codon 925 of the PDGFRA protein (p.Val925Ile). This variant is not present in population databases (gnomAD no frequency). This variant has not been reported in the literature in individuals affected with PDGFRA-related conditions. ClinVar contains an entry for this variant (Variation ID: 850324). Algorithms developed to predict the effect of missense changes on protein structure and function output the following: SIFT: "Not Available"; PolyPhen-2: "Benign"; Align-GVGD: "Not Available". The isoleucine amino acid residue is found in multiple mammalian species, which suggests that this missense change does not adversely affect protein function. In summary, the available evidence is currently insufficient to determine the role of this variant in disease. Therefore, it has been classified as a Variant of Uncertain Significance.

Ambry Genetics
Classification: Uncertain significance for Hereditary cancer-predisposing syndrome. Last evaluated: 2021-09-07. Review status: criteria provided, single submitter. Criteria: Ambry Variant Classification Scheme 2023. Collection method: clinical testing. Allele origin: germline.
Comment: The p.V925I variant (also known as c.2773G>A), located in coding exon 19 of the PDGFRA gene, results from a G to A substitution at nucleotide position 2773. The valine at codon 925 is replaced by isoleucine, an amino acid with highly similar properties. This amino acid position is conserved. In addition, the in silico prediction for this alteration is inconclusive. Since supporting evidence is limited at this time, the clinical significance of this alteration remains unclear.